The following is an entry in ClinVar:

NM_003024.3(ITSN1):c.1684+5G>T

Gene: ITSN1 (intersectin 1; plus strand). Cytogenetic location: 21q22.11.
Variant type: single nucleotide variant.
Coding change: c.1684+5G>T on transcript NM_003024.3 (MANE Select); 5 bases into the intron after coding-DNA position 1684, G replaced by T.
Molecular consequence: intron variant.
Genome position (GRCh38, 1-based): chr21:33,781,553, G>T. VCF-style: chr21-33781553-G-T. GRCh37 (hg19) VCF-style: chr21-35153857-G-T.
Other names: c.1684+5G>T (NM_001331010.2, NM_001001132.2, NM_001331008.2 and 2 more transcripts); c.1573+5G>T (NM_001331012.2).
Identifiers: ClinVar variation 2703495 (VCV002703495.3), dbSNP rs2070178626, ClinGen allele CA2697547486.

ClinVar aggregate classification (germline): Uncertain significance (1 of 4 stars; one submission).

Submission:

Labcorp Genetics (formerly Invitae), Labcorp
Classification: Uncertain significance. Last evaluated: 2023-12-15. Review status: criteria provided, single submitter. Criteria: Invitae Variant Classification Sherloc (09022015). Collection method: clinical testing. Allele origin: germline.
Comment: This sequence change falls in intron 15 of the ITSN1 gene. It does not directly change the encoded amino acid sequence of the ITSN1 protein. It affects a nucleotide within the consensus splice site. This variant is not present in population databases (gnomAD no frequency). This variant has not been reported in the literature in individuals affected with ITSN1-related conditions. Variants that disrupt the consensus splice site are a relatively common cause of aberrant splicing (PMID: 17576681, 9536098). Algorithms developed to predict the effect of sequence changes on RNA splicing suggest that this variant may disrupt the consensus splice site. In summary, the available evidence is currently insufficient to determine the role of this variant in disease. Therefore, it has been classified as a Variant of Uncertain Significance.

Literature cited by the submitters: PubMed 17576681; PubMed 9536098.